The following is an entry in ClinVar:

ClinVar aggregate classification (germline): Uncertain significance (1 of 4 stars; one submission).

Conditions:
CHARGE syndrome (CHARGE). Also called: Coloboma, heart anomaly, choanal atresia, retardation, genital and ear anomalies; CHARGE association; Hall-Hittner syndrome; Hittner Hirsch Kreh syndrome; CHARGE ASSOCIATION--COLOBOMA, HEART ANOMALY, CHOANAL ATRESIA, RETARDATION, GENITAL AND EAR ANOMALIES. Identifiers: Orphanet 138, MedGen C0265354, MONDO:0008965.

Submission:

Labcorp Genetics (formerly Invitae), Labcorp
Classification: Uncertain significance for CHARGE syndrome. Last evaluated: 2021-11-01. Review status: criteria provided, single submitter. Criteria: Invitae Variant Classification Sherloc (09022015). Collection method: clinical testing. Allele origin: germline.
Comment: In summary, the available evidence is currently insufficient to determine the role of this variant in disease. Therefore, it has been classified as a Variant of Uncertain Significance. Advanced modeling of protein sequence and biophysical properties (such as structural, functional, and spatial information, amino acid conservation, physicochemical variation, residue mobility, and thermodynamic stability) performed at Invitae indicates that this missense variant is expected to disrupt CHD7 protein function. This variant has not been reported in the literature in individuals affected with CHD7-related conditions. This variant is not present in population databases (gnomAD no frequency). This sequence change replaces tryptophan, which is neutral and slightly polar, with cysteine, which is neutral and slightly polar, at codon 1618 of the CHD7 protein (p.Trp1618Cys).

NM_017780.4(CHD7):c.4854G>T (p.Trp1618Cys)

Gene: CHD7 (chromodomain helicase DNA binding protein 7; plus strand). Cytogenetic location: 8q12.2.
Variant type: single nucleotide variant.
Coding change: c.4854G>T on transcript NM_017780.4 (MANE Select); coding-DNA position 4854, G replaced by T.
Protein change: p.Trp1618Cys; replaces tryptophan 1618 with cysteine.
Molecular consequence: missense variant. On other transcripts: intron variant (1).
Genome position (GRCh38, 1-based): chr8:60,844,867, G>T. VCF-style: chr8-60844867-G-T. GRCh37 (hg19) VCF-style: chr8-61757426-G-T.
Other names: c.1717-17362G>T (NM_001316690.1); short protein forms W1618C.
Identifiers: ClinVar variation 1500918 (VCV001500918.6), dbSNP rs2150792862, ClinGen allele CA371319736.